The following is an entry in ClinVar:

NM_001963.6(EGF):c.1636C>T (p.Arg546Ter)

Gene: EGF (epidermal growth factor; plus strand). Cytogenetic location: 4q25.
Variant type: single nucleotide variant.
Coding change: c.1636C>T on transcript NM_001963.6 (MANE Select); coding-DNA position 1636, C replaced by T.
Protein change: p.Arg546Ter; replaces arginine 546 with a stop codon.
Molecular consequence: nonsense.
Genome position (GRCh38, 1-based): chr4:109,969,031, C>T. VCF-style: chr4-109969031-C-T. GRCh37 (hg19) VCF-style: chr4-110890187-C-T.
Other names: c.1636C>T, p.Arg546Ter (NM_001178130.3); c.1510C>T, p.Arg504Ter (NM_001178131.3, NM_001357021.2); short protein forms R504*, R546*.
Identifiers: ClinVar variation 4695731 (VCV004695731.1).

ClinVar aggregate classification (germline): Uncertain significance (1 of 4 stars; one submission).

gnomAD v4.1: 8 of 1,614,084 alleles (0.0005%); highest among the groups gnomAD compares: East Asian, 0.0022%; no homozygotes.

Submission:

Labcorp Genetics (formerly Invitae), Labcorp
Classification: Uncertain significance. Last evaluated: 2025-11-04. Review status: criteria provided, single submitter. Criteria: Invitae Variant Classification Sherloc (09022015). Collection method: clinical testing. Allele origin: germline.
Comment: This sequence change creates a premature translational stop signal (p.Arg546*) in the EGF gene. It is expected to result in an absent or disrupted protein product. However, the current clinical and genetic evidence is not sufficient to establish whether loss-of-function variants in EGF cause disease. This variant is present in population databases (rs756376698, gnomAD 0.006%). This variant has not been reported in the literature in individuals affected with EGF-related conditions. In summary, the available evidence is currently insufficient to determine the role of this variant in disease. Therefore, it has been classified as a Variant of Uncertain Significance.